The following is an entry in ClinVar:

ClinVar aggregate classification (germline): Benign/Likely benign. Review status: criteria provided, multiple submitters, no conflicts (2 of 4 stars). 7 submissions from 7 submitters: Benign (5); Likely benign (1). 1 of the submissions does not count toward it. Last evaluated 2026-01-27.

Conditions:
PLEKHG5-related disorder. Also called: PLEKHG5-related condition.
Neuronopathy, distal hereditary motor, autosomal recessive 4. Also called: Autosomal recessive lower motor neuron disease with childhood onset; NEUROPATHY, DISTAL HEREDITARY MOTOR, AUTOSOMAL RECESSIVE 4. Identifiers: Orphanet 206580, MedGen C1970211, MONDO:0012608, OMIM 611067.
Charcot-Marie-Tooth disease recessive intermediate C. Also called: CHARCOT-MARIE-TOOTH NEUROPATHY, RECESSIVE INTERMEDIATE C. Identifiers: Orphanet 369867, MedGen C3809309, MONDO:0014154, OMIM 615376.

Allele frequency attached by ClinVar (database versions not stated): gnomAD exomes 0.00091; ExAC 0.00152; ESP Exome Variant Server 0.00383; gnomAD 0.00441 and 0.00463; TOPMed 0.00506; 1000 Genomes Project 0.00619; 1000 Genomes Project 30x 0.00765.
gnomAD v4.1: 1,246 of 1,551,912 alleles (0.08%); highest among the groups gnomAD compares: African/African-American, 1.5%; 7 homozygotes.

Submissions (8):

Labcorp Genetics (formerly Invitae), Labcorp
Classification: Benign for Neuronopathy, distal hereditary motor, autosomal recessive 4; Charcot-Marie-Tooth disease recessive intermediate C. Last evaluated: 2026-01-27. Review status: criteria provided, single submitter. Criteria: Invitae Variant Classification Sherloc (09022015). Collection method: clinical testing. Allele origin: germline.

Blueprint Genetics
Classification: Likely benign. Last evaluated: 2024-11-12. Review status: criteria provided, single submitter. Criteria: ACMG Guidelines, 2015. Collection method: clinical testing. Allele origin: germline.

GeneDx
Classification: Benign. Last evaluated: 2020-07-29. Review status: criteria provided, single submitter. Criteria: GeneDx Variant Classification Process June 2021. Collection method: clinical testing. Allele origin: germline. Affected: yes.

Illumina Laboratory Services, Illumina
Classification: Benign for Neuronopathy, distal hereditary motor, autosomal recessive 4. Last evaluated: 2018-01-13. Review status: criteria provided, single submitter. Criteria: ICSL Variant Classification Criteria 13 December 2019. Collection method: clinical testing. Allele origin: germline.
Comment: This variant was observed in the ICSL laboratory as part of a predisposition screen in an ostensibly healthy population. It had not been previously curated by ICSL or reported in the Human Gene Mutation Database (HGMD: prior to June 1st, 2018), and was therefore a candidate for classification through an automated scoring system. Utilizing variant allele frequency, disease prevalence and penetrance estimates, and inheritance mode, an automated score was calculated to assess if this variant is too frequent to cause the disease. Based on the score and internal cut-off values, a variant classified as benign is not then subjected to further curation. The score for this variant resulted in a classification of benign for this disease.

Eurofins Ntd Llc (ga)
Classification: Benign. Last evaluated: 2014-10-31. Review status: criteria provided, single submitter. Criteria: EGL Classification Definitions 2015. Collection method: clinical testing. Allele origin: germline. Observed: 2 variant alleles, 2 heterozygotes.

Breakthrough Genomics
Classification: Benign. Review status: criteria provided, single submitter. Criteria: ACMG Guidelines, 2015. Collection method: not provided. Allele origin: germline. Inheritance: Autosomal recessive inheritance. Affected: yes.

PreventionGenetics, part of Exact Sciences
Classification: Benign for PLEKHG5-related condition. Last evaluated: 2024-03-27. Review status: no assertion criteria provided. Collection method: clinical testing. Allele origin: germline. Not counted in ClinVar's aggregate classification.
Comment: This variant is classified as benign based on ACMG/AMP sequence variant interpretation guidelines (Richards et al. 2015 PMID: 25741868, with internal and published modifications).

Dr. Peter K. Rogan Lab, Western University
No classification provided (evidence only). Condition: Uterine corpus endometrial carcinoma. Review status: no classification provided. Collection method: in vitro. Allele origin: not applicable. Functional consequence: retained intron. Not counted in ClinVar's aggregate classification.

NM_020631.6(PLEKHG5):c.691G>A (p.Gly231Ser)

Gene: PLEKHG5 (pleckstrin homology and RhoGEF domain containing G5; minus strand). Cytogenetic location: 1p36.31.
Variant type: single nucleotide variant.
Coding change: c.691G>A on transcript NM_020631.6 (MANE Select); coding-DNA position 691, G replaced by A.
Protein change: p.Gly231Ser; replaces glycine 231 with serine.
Molecular consequence: missense variant.
Genome position (GRCh38, 1-based): chr1:6,473,355, C>T on the plus strand (G>A on the coding strand, the complement: PLEKHG5 is on the minus strand). VCF-style: chr1-6473355-C-T. GRCh37 (hg19) VCF-style: chr1-6533415-C-T.
Other names: c.802G>A, p.Gly268Ser (NM_001042663.3, NM_001265592.2); c.691G>A, p.Gly231Ser (NM_001042664.2, NM_001042665.2, NM_001265594.3 and 1 more transcripts); c.898G>A, p.Gly300Ser (NM_001265593.2); short protein forms G231S, G300S, G268S.
Identifiers: ClinVar variation 198896 (VCV000198896.24), dbSNP rs146651455, ClinGen allele CA203666.